The following is an entry in ClinVar:

NM_001039672.3(YIF1B):c.598G>T (p.Glu200Ter)

Gene: YIF1B (Yip1 interacting factor homolog B, membrane trafficking protein; minus strand). Cytogenetic location: 19q13.2.
Variant type: single nucleotide variant.
Coding change: c.598G>T on transcript NM_001039672.3 (MANE Select); coding-DNA position 598, G replaced by T.
Protein change: p.Glu200Ter; replaces glutamic acid 200 with a stop codon.
Molecular consequence: nonsense.
Genome position (GRCh38, 1-based): chr19:38,307,694, C>A on the plus strand (G>T on the coding strand, the complement: YIF1B is on the minus strand). VCF-style: chr19-38307694-C-A. GRCh37 (hg19) VCF-style: chr19-38798334-C-A.
Other names: c.547G>T, p.Glu183Ter (NM_001145461.2); c.505G>T, p.Glu169Ter (NM_001145462.2); c.589G>T, p.Glu197Ter (NM_001145463.2, NM_001039673.3); c.553G>T, p.Glu185Ter (NM_001039671.3); short protein forms E200*, E169*, E183*, E185*, E197*.
Identifiers: ClinVar variation 988951 (VCV000988951.5), dbSNP rs750308729, ClinGen allele CA405644691.

ClinVar aggregate classification (germline): Pathogenic. Review status: criteria provided, single submitter (1 of 4 stars). 2 submissions from 2 submitters: Pathogenic (1). 1 of the submissions does not count toward it. Last evaluated 2022-12-02.

Conditions:
Kaya-Barakat-Masson syndrome. Also called: YIF1B-Related Neurodevelopmental Disorder. Identifiers: Orphanet 684240, MedGen C5436856, MONDO:0030878, OMIM 619125.

Submissions (2):

GeneDx
Classification: Pathogenic. Last evaluated: 2022-12-02. Review status: criteria provided, single submitter. Criteria: GeneDx Variant Classification Process June 2021. Collection method: clinical testing. Allele origin: germline. Affected: yes.
Comment: Nonsense variant predicted to result in protein truncation or nonsense mediated decay in a gene for which loss-of-function is a known mechanism of disease; Not observed at significant frequency in large population cohorts (gnomAD); This variant is associated with the following publications: (PMID: 33103737, 33726816, 32006098, 34373908)

OMIM
Classification: Pathogenic for KAYA-BARAKAT-MASSON SYNDROME. Last evaluated: 2020-12-17. Review status: no assertion criteria provided. Collection method: literature only. Allele origin: germline. Not counted in ClinVar's aggregate classification.

Literature cited by the submitters: PubMed 32006098 (cited by OMIM); PubMed 33103737 (cited by OMIM).